The following is an entry in ClinVar:

NM_002907.4(RECQL):c.398T>C (p.Phe133Ser)

Gene: RECQL (RecQ like helicase; minus strand). Cytogenetic location: 12p12.1.
Variant type: single nucleotide variant.
Coding change: c.398T>C on transcript NM_002907.4 (MANE Select); coding-DNA position 398, T replaced by C.
Protein change: p.Phe133Ser; replaces phenylalanine 133 with serine.
Molecular consequence: missense variant.
Genome position (GRCh38, 1-based): chr12:21,486,582, A>G on the plus strand (T>C on the coding strand, the complement: RECQL is on the minus strand). VCF-style: chr12-21486582-A-G. GRCh37 (hg19) VCF-style: chr12-21639516-A-G.
Other names: c.398T>C, p.Phe133Ser (NM_032941.3); short protein forms F133S.
Identifiers: ClinVar variation 1736768 (VCV001736768.3), dbSNP rs1943302283, ClinGen allele CA384130441.

ClinVar aggregate classification (germline): Uncertain significance (1 of 4 stars; one submission).

Allele frequency attached by ClinVar (database versions not stated): gnomAD exomes below 0.00001.
gnomAD v4.1: 1 of 1,578,046 alleles (0.000063%); highest among the groups gnomAD compares: East Asian, 0.0023%; no homozygotes.

Submission:

Ambry Genetics
Classification: Uncertain significance. Last evaluated: 2025-12-07. Review status: criteria provided, single submitter. Criteria: Ambry Variant Classification Scheme 2023. Collection method: clinical testing. Allele origin: germline.
Comment: The p.F133S variant (also known as c.398T>C), located in coding exon 4 of the RECQL gene, results from a T to C substitution at nucleotide position 398. The phenylalanine at codon 133 is replaced by serine, an amino acid with highly dissimilar properties. This amino acid position is conserved. In addition, the in silico prediction for this alteration is inconclusive. Since supporting evidence is limited at this time, the clinical significance of this alteration remains unclear.